The following is an entry in ClinVar:

ClinVar aggregate classification (germline): Likely pathogenic. Review status: criteria provided, single submitter (1 of 4 stars). 2 submissions from 2 submitters: Likely pathogenic (1). 1 of the submissions does not count toward it. Last evaluated 2025-02-17.

Conditions:
Familial long QT syndrome (RWS). Also called: Congenital long QT syndrome; Romano-Ward syndrome; VENTRICULAR FIBRILLATION WITH PROLONGED QT INTERVAL. Identifiers: Orphanet 768, MedGen C1141890, MONDO:0019171.
Long QT syndrome (LQTS). Identifiers: MedGen C0023976, MeSH D008133, MONDO:0002442. Disease mechanism: loss of function. Inheritance: Various modes of inheritance.

Submissions (2):

Labcorp Genetics (formerly Invitae), Labcorp
Classification: Likely pathogenic for Long QT syndrome. Last evaluated: 2025-02-17. Review status: criteria provided, single submitter. Criteria: Invitae Variant Classification Sherloc (09022015). Collection method: clinical testing. Allele origin: germline.
Comment: This sequence change replaces arginine, which is basic and polar, with leucine, which is neutral and non-polar, at codon 582 of the KCNH2 protein (p.Arg582Leu). This variant is not present in population databases (gnomAD no frequency). This missense change has been observed in individuals with clinical features of long QT syndrome (PMID: 16414944, 18441445; internal data). ClinVar contains an entry for this variant (Variation ID: 67258). An algorithm developed to predict the effect of missense changes on protein structure and function (PolyPhen-2) suggests that this variant is likely to be disruptive. Experimental studies have shown that this missense change affects KCNH2 function (PMID: 21376840, 25417810). This variant disrupts the p.Arg582 amino acid residue in KCNH2. Other variant(s) that disrupt this residue have been determined to be pathogenic (PMID: 10220144, 12566525, 18441445, 21350584, 21376840, 22949429). This suggests that this residue is clinically significant, and that variants that disrupt this residue are likely to be disease-causing. In summary, the currently available evidence indicates that the variant is pathogenic, but additional data are needed to prove that conclusively. Therefore, this variant has been classified as Likely Pathogenic.

Cardiovascular Biomedical Research Unit, Royal Brompton & Harefield NHS Foundation Trust
No classification provided. Condition: Familial long QT syndrome. Review status: no classification provided. Collection method: literature only. Allele origin: germline. Not counted in ClinVar's aggregate classification.
Comment: This variant has been reported as associated with Long QT syndrome in the following publications (PMID:16414944). This is a literature report, and does not necessarily reflect the clinical interpretation of the Imperial College / Royal Brompton Cardiovascular Genetics laboratory.

Literature cited by the submitters: PubMed 16414944 (cited by Labcorp Genetics (formerly Invitae), Labcorp and Cardiovascular Biomedical Research Unit, Royal Brompton & Harefield NHS Foundation Trust); PubMed 18441445 (cited by Labcorp Genetics (formerly Invitae), Labcorp); PubMed 21376840 (cited by Labcorp Genetics (formerly Invitae), Labcorp); PubMed 25417810 (cited by Labcorp Genetics (formerly Invitae), Labcorp); PubMed 10220144 (cited by Labcorp Genetics (formerly Invitae), Labcorp); PubMed 12566525 (cited by Labcorp Genetics (formerly Invitae), Labcorp); PubMed 21350584 (cited by Labcorp Genetics (formerly Invitae), Labcorp); PubMed 22949429 (cited by Labcorp Genetics (formerly Invitae), Labcorp); PubMed 22581653 (cited by Cardiovascular Biomedical Research Unit, Royal Brompton & Harefield NHS Foundation Trust).

NM_000238.4(KCNH2):c.1745G>T (p.Arg582Leu)

Gene: KCNH2 (potassium voltage-gated channel subfamily H member 2; minus strand). Cytogenetic location: 7q36.1.
Variant type: single nucleotide variant.
Coding change: c.1745G>T on transcript NM_000238.4 (MANE Select); coding-DNA position 1745, G replaced by T.
Protein change: p.Arg582Leu; replaces arginine 582 with leucine.
Molecular consequence: missense variant.
Genome position (GRCh38, 1-based): chr7:150,951,648, C>A on the plus strand (G>T on the coding strand, the complement: KCNH2 is on the minus strand). VCF-style: chr7-150951648-C-A. GRCh37 (hg19) VCF-style: chr7-150648736-C-A.
Other names: c.1745G>T (LRG_288t1); c.725G>T, p.Arg242Leu (NM_001204798.2, NM_172057.3); c.1457G>T, p.Arg486Leu (NM_001406753.1, NM_001406756.1); c.1568G>T, p.Arg523Leu (NM_001406755.1); c.1445G>T, p.Arg482Leu (NM_001406757.1); c.1745G>T, p.Arg582Leu (NM_172056.3); short protein forms R242L, R582L, R486L, R523L, R482L.
Identifiers: ClinVar variation 67258 (VCV000067258.8), dbSNP rs199473426, ClinGen allele CA005353.